The following is an entry in ClinVar:

NM_004055.5(CAPN5):c.311G>A (p.Trp104Ter)

Gene: CAPN5 (calpain 5; plus strand). Cytogenetic location: 11q13.5.
Variant type: single nucleotide variant.
Coding change: c.311G>A on transcript NM_004055.5 (MANE Select); coding-DNA position 311, G replaced by A.
Protein change: p.Trp104Ter; replaces tryptophan 104 with a stop codon.
Molecular consequence: nonsense.
Genome position (GRCh38, 1-based): chr11:77,112,602, G>A. VCF-style: chr11-77112602-G-A. GRCh37 (hg19) VCF-style: chr11-76823648-G-A.
Other names: short protein forms W104*.
Identifiers: ClinVar variation 2014795 (VCV002014795.4), dbSNP rs2496277197, ClinGen allele CA381936731.

ClinVar aggregate classification (germline): Uncertain significance (1 of 4 stars; one submission).

Allele frequency attached by ClinVar (database versions not stated): gnomAD exomes below 0.00001.
gnomAD v4.1: 2 of 1,613,764 alleles (0.00012%); highest among the groups gnomAD compares: Non-Finnish European, 0.00017%; no homozygotes.

Submission:

Labcorp Genetics (formerly Invitae), Labcorp
Classification: Uncertain significance. Last evaluated: 2023-07-17. Review status: criteria provided, single submitter. Criteria: Invitae Variant Classification Sherloc (09022015). Collection method: clinical testing. Allele origin: germline.
Comment: In summary, the available evidence is currently insufficient to determine the role of this variant in disease. Therefore, it has been classified as a Variant of Uncertain Significance. ClinVar contains an entry for this variant (Variation ID: 2014795). This variant has not been reported in the literature in individuals affected with CAPN5-related conditions. This variant is not present in population databases (gnomAD no frequency). This sequence change creates a premature translational stop signal (p.Trp104*) in the CAPN5 gene. It is expected to result in an absent or disrupted protein product. However, the current clinical and genetic evidence is not sufficient to establish whether loss-of-function variants in CAPN5 cause disease.